The following is an entry in ClinVar:

ClinVar aggregate classification (germline): Likely pathogenic (1 of 4 stars; one submission).

Conditions:
Joubert syndrome. Also called: CEREBELLOPARENCHYMAL DISORDER IV; JOUBERT-BOLTSHAUSER SYNDROME; Familial aplasia of the vermis. Identifiers: Orphanet 475, MedGen C5979921, MONDO:0018772.
Meckel-Gruber syndrome. Also called: DYSENCEPHALIA SPLANCHNOCYSTICA; GRUBER SYNDROME; Dysencephalia splachnocystica. Identifiers: Orphanet 564, MedGen C0265215, MONDO:0018921.

Submission:

Labcorp Genetics (formerly Invitae), Labcorp
Classification: Likely pathogenic for Joubert syndrome; Meckel-Gruber syndrome. Last evaluated: 2023-03-19. Review status: criteria provided, single submitter. Criteria: Invitae Variant Classification Sherloc (09022015). Collection method: clinical testing. Allele origin: germline.
Comment: In summary, the currently available evidence indicates that the variant is pathogenic, but additional data are needed to prove that conclusively. Therefore, this variant has been classified as Likely Pathogenic. This variant disrupts the p.Ser776 amino acid residue in TMEM67. Other variant(s) that disrupt this residue have been determined to be pathogenic (PMID: 26123494; Invitae). This suggests that this residue is clinically significant, and that variants that disrupt this residue are likely to be disease-causing. Algorithms developed to predict the effect of sequence changes on RNA splicing suggest that this variant may disrupt the consensus splice site. Advanced modeling of protein sequence and biophysical properties (such as structural, functional, and spatial information, amino acid conservation, physicochemical variation, residue mobility, and thermodynamic stability) performed at Invitae indicates that this missense variant is expected to disrupt TMEM67 protein function. This variant has not been reported in the literature in individuals affected with TMEM67-related conditions. This variant is not present in population databases (gnomAD no frequency). This sequence change replaces serine, which is neutral and polar, with leucine, which is neutral and non-polar, at codon 776 of the TMEM67 protein (p.Ser776Leu).

Literature cited by the submitters: PubMed 26123494.

NM_153704.6(TMEM67):c.2327C>T (p.Ser776Leu)

Gene: TMEM67 (transmembrane protein 67; plus strand). Cytogenetic location: 8q22.1.
Variant type: single nucleotide variant.
Coding change: c.2327C>T on transcript NM_153704.6 (MANE Select); coding-DNA position 2327, C replaced by T.
Protein change: p.Ser776Leu; replaces serine 776 with leucine.
Molecular consequence: missense variant. On other transcripts: non-coding transcript variant (1).
Genome position (GRCh38, 1-based): chr8:93,804,766, C>T. VCF-style: chr8-93804766-C-T. GRCh37 (hg19) VCF-style: chr8-94816994-C-T.
Other names: c.2084C>T, p.Ser695Leu (NM_001142301.1); short protein forms S695L, S776L.
Identifiers: ClinVar variation 2945489 (VCV002945489.3), dbSNP rs2536929338, ClinGen allele CA371697889.